The following is an entry in ClinVar:

ClinVar aggregate classification (germline): Uncertain significance (1 of 4 stars; one submission).

Conditions:
Epilepsy, familial adult myoclonic, 5 (EPEO5). Also called: CORTICAL MYOCLONIC TREMOR WITH EPILEPSY, FAMILIAL, 5. Identifiers: Orphanet 86814, MedGen C3809374, MONDO:0014167, OMIM 615400.

Allele frequency attached by ClinVar (database versions not stated): gnomAD 0.00001; gnomAD exomes 0.00001; ExAC 0.00005; 1000 Genomes Project 30x 0.00031; 1000 Genomes Project 0.00579.
gnomAD v4.1: 11 of 1,534,698 alleles (0.00072%); highest among the groups gnomAD compares: Non-Finnish European, 0.00096%; no homozygotes.

Submission:

Labcorp Genetics (formerly Invitae), Labcorp
Classification: Uncertain significance for Epilepsy, familial adult myoclonic, 5. Last evaluated: 2024-10-15. Review status: criteria provided, single submitter. Criteria: Invitae Variant Classification Sherloc (09022015). Collection method: clinical testing. Allele origin: germline.
Comment: This sequence change replaces alanine, which is neutral and non-polar, with glycine, which is neutral and non-polar, at codon 106 of the CNTN2 protein (p.Ala106Gly). The frequency data for this variant in the population databases is considered unreliable, as metrics indicate poor data quality at this position in the gnomAD database. This variant has not been reported in the literature in individuals affected with CNTN2-related conditions. ClinVar contains an entry for this variant (Variation ID: 2062165). Invitae Evidence Modeling of protein sequence and biophysical properties (such as structural, functional, and spatial information, amino acid conservation, physicochemical variation, residue mobility, and thermodynamic stability) indicates that this missense variant is not expected to disrupt CNTN2 protein function with a negative predictive value of 95%. In summary, the available evidence is currently insufficient to determine the role of this variant in disease. Therefore, it has been classified as a Variant of Uncertain Significance.

NM_005076.5(CNTN2):c.317C>G (p.Ala106Gly)

Gene: CNTN2 (contactin 2; plus strand). Cytogenetic location: 1q32.1.
Variant type: single nucleotide variant.
Coding change: c.317C>G on transcript NM_005076.5 (MANE Select); coding-DNA position 317, C replaced by G.
Protein change: p.Ala106Gly; replaces alanine 106 with glycine.
Molecular consequence: missense variant. On other transcripts: non-coding transcript variant (1).
Genome position (GRCh38, 1-based): chr1:205,058,282, C>G. VCF-style: chr1-205058282-C-G. GRCh37 (hg19) VCF-style: chr1-205027410-C-G.
Other names: c.317C>G, p.Ala106Gly (NM_001346083.2); short protein forms A106G.
Identifiers: ClinVar variation 2062165 (VCV002062165.3), dbSNP rs562036555, ClinGen allele CA1350994.